The following is an entry in ClinVar:

ClinVar aggregate classification (germline): Uncertain significance (1 of 4 stars; one submission).

gnomAD v4.1: 1 of 1,611,806 alleles (0.000062%); highest among the groups gnomAD compares: Admixed American, 0.0017%; no homozygotes.

Submission:

Labcorp Genetics (formerly Invitae), Labcorp
Classification: Uncertain significance. Last evaluated: 2024-05-26. Review status: criteria provided, single submitter. Criteria: Invitae Variant Classification Sherloc (09022015). Collection method: clinical testing. Allele origin: germline.
Comment: This sequence change replaces histidine, which is basic and polar, with glutamine, which is neutral and polar, at codon 168 of the DGAT1 protein (p.His168Gln). This variant is not present in population databases (gnomAD no frequency). This variant has not been reported in the literature in individuals affected with DGAT1-related conditions. Advanced modeling of protein sequence and biophysical properties (such as structural, functional, and spatial information, amino acid conservation, physicochemical variation, residue mobility, and thermodynamic stability) performed at Invitae indicates that this missense variant is not expected to disrupt DGAT1 protein function with a negative predictive value of 80%. In summary, the available evidence is currently insufficient to determine the role of this variant in disease. Therefore, it has been classified as a Variant of Uncertain Significance.

NM_012079.6(DGAT1):c.504C>G (p.His168Gln)

Gene: DGAT1 (diacylglycerol O-acyltransferase 1; minus strand). Cytogenetic location: 8q24.3.
Variant type: single nucleotide variant.
Coding change: c.504C>G on transcript NM_012079.6 (MANE Select); coding-DNA position 504, C replaced by G.
Protein change: p.His168Gln; replaces histidine 168 with glutamine.
Molecular consequence: missense variant.
Genome position (GRCh38, 1-based): chr8:144,318,531, G>C on the plus strand (C>G on the coding strand, the complement: DGAT1 is on the minus strand). VCF-style: chr8-144318531-G-C. GRCh37 (hg19) VCF-style: chr8-145542194-G-C.
Other names: short protein forms H168Q.
Identifiers: ClinVar variation 3610664 (VCV003610664.2).